The following is an entry in ClinVar:

ClinVar aggregate classification (germline): Uncertain significance (1 of 4 stars; one submission).

Conditions:
Hereditary cancer-predisposing syndrome. Also called: Hereditary Cancer Syndrome; Hereditary neoplastic syndrome; Neoplastic Syndromes, Hereditary; Tumor predisposition. Identifiers: Orphanet 140162, MedGen C0027672, MeSH D009386, MONDO:0015356.

Submission:

Ambry Genetics
Classification: Uncertain significance for Hereditary cancer-predisposing syndrome. Last evaluated: 2025-06-24. Review status: criteria provided, single submitter. Criteria: Ambry Variant Classification Scheme 2023. Collection method: clinical testing. Allele origin: germline.
Comment: The p.Q3156H variant (also known as c.9468A>C), located in coding exon 24 of the BRCA2 gene, results from an A to C substitution at nucleotide position 9468. The glutamine at codon 3156 is replaced by histidine, an amino acid with highly similar properties. This amino acid position is conserved. In addition, the in silico prediction for this alteration is inconclusive. Based on the available evidence, the clinical significance of this variant remains unclear.

NM_000059.4(BRCA2):c.9468A>C (p.Gln3156His)

Gene: BRCA2 (BRCA2 DNA repair associated; plus strand). Cytogenetic location: 13q13.1.
Variant type: single nucleotide variant.
Coding change: c.9468A>C on transcript NM_000059.4 (MANE Select); coding-DNA position 9468, A replaced by C.
Protein change: p.Gln3156His; replaces glutamine 3156 with histidine.
Molecular consequence: missense variant. On other transcripts: non-coding transcript variant (1).
Genome position (GRCh38, 1-based): chr13:32,394,900, A>C. VCF-style: chr13-32394900-A-C. GRCh37 (hg19) VCF-style: chr13-32969037-A-C.
Other names: c.9372A>C, p.Gln3124His (NM_001406719.1); c.9417A>C, p.Gln3139His (NM_001406720.1); c.4536A>C, p.Gln1512His (NM_001406721.1); c.3051A>C, p.Gln1017His (NM_001406722.1); c.9468A>C, p.Gln3156His (NM_001432077.1); short protein forms Q3124H, Q3156H, Q1017H, Q1512H, Q3139H.
Identifiers: ClinVar variation 4215814 (VCV004215814.1).
Genomic context (GRCh38, chr13:32,394,900, plus strand): 5'-TACTTTATTTGCTGGAGATTTTTCTGTGTTTTCTGCTAGTCCAAAAGAGGGCCACTTTCA[A>C]GAGACATTCAACAAAATGAAAAATACTGTTGAGGTAAGGTTACTTTTCAGCATCACCACA-3'
Protein context (NP_000050.3, residues 3146-3166): FSASPKEGHF[Gln3156His]ETFNKMKNTV